The following is an entry in ClinVar:

NM_144670.6(A2ML1):c.71T>A (p.Leu24Gln)

Genes: A2ML1 (alpha-2-macroglobulin like 1; plus strand), A2ML1-AS1 (A2ML1 antisense RNA 1; minus strand). Cytogenetic location: 12p13.31.
Variant type: single nucleotide variant.
Coding change: c.71T>A on transcript NM_144670.6 (MANE Select); coding-DNA position 71, T replaced by A.
Protein change: p.Leu24Gln; replaces leucine 24 with glutamine.
Molecular consequence: missense variant.
Genome position (GRCh38, 1-based): chr12:8,823,190, T>A. VCF-style: chr12-8823190-T-A. GRCh37 (hg19) VCF-style: chr12-8975786-T-A.
Other names: short protein forms L24Q.
Identifiers: ClinVar variation 3635288 (VCV003635288.2).

ClinVar aggregate classification (germline): Uncertain significance (1 of 4 stars; one submission).

gnomAD v4.1: 11 of 1,613,514 alleles (0.00068%); highest among the groups gnomAD compares: Middle Eastern, 0.016%; no homozygotes.

Submission:

Labcorp Genetics (formerly Invitae), Labcorp
Classification: Uncertain significance. Last evaluated: 2025-08-25. Review status: criteria provided, single submitter. Criteria: Invitae Variant Classification Sherloc (09022015). Collection method: clinical testing. Allele origin: germline.
Comment: This sequence change replaces leucine, which is neutral and non-polar, with glutamine, which is neutral and polar, at codon 24 of the A2ML1 protein (p.Leu24Gln). This variant is present in population databases (rs765032988, gnomAD 0.003%). This variant has not been reported in the literature in individuals affected with A2ML1-related conditions. ClinVar contains an entry for this variant (Variation ID: 3635288). An algorithm developed to predict the effect of missense changes on protein structure and function (PolyPhen-2) suggests that this variant is likely to be disruptive. In summary, the available evidence is currently insufficient to determine the role of this variant in disease. Therefore, it has been classified as a Variant of Uncertain Significance.